The following is an entry in ClinVar:

ClinVar aggregate classification (germline): Uncertain significance. Review status: criteria provided, multiple submitters, no conflicts (2 of 4 stars). 3 submissions from 3 submitters: Uncertain significance (3). Last evaluated 2025-11-25.

Conditions:
PKD1L1-related disorder. Also called: PKD1L1-related condition.
Inborn genetic diseases. Identifiers: MedGen C0950123, MeSH D030342.

Allele frequency attached by ClinVar (database versions not stated): 1000 Genomes Project 30x 0.00016; 1000 Genomes Project 0.00020; gnomAD 0.00026; TOPMed 0.00026; gnomAD exomes 0.00028; ESP Exome Variant Server 0.00031; ExAC 0.00047.
gnomAD v4.1: 447 of 1,612,950 alleles (0.028%); highest among the groups gnomAD compares: Non-Finnish European, 0.032%; no homozygotes.

Submissions (3):

Labcorp Genetics (formerly Invitae), Labcorp
Classification: Uncertain significance. Last evaluated: 2025-11-25. Review status: criteria provided, single submitter. Criteria: Invitae Variant Classification Sherloc (09022015). Collection method: clinical testing. Allele origin: germline.
Comment: This sequence change replaces glutamic acid, which is acidic and polar, with glycine, which is neutral and non-polar, at codon 2277 of the PKD1L1 protein (p.Glu2277Gly). This variant is present in population databases (rs138487621, gnomAD 0.05%). This variant has not been reported in the literature in individuals affected with PKD1L1-related conditions. ClinVar contains an entry for this variant (Variation ID: 2455582). Invitae Evidence Modeling of protein sequence and biophysical properties (such as structural, functional, and spatial information, amino acid conservation, physicochemical variation, residue mobility, and thermodynamic stability) indicates that this missense variant is not expected to disrupt PKD1L1 protein function with a negative predictive value of 80%. In summary, the available evidence is currently insufficient to determine the role of this variant in disease. Therefore, it has been classified as a Variant of Uncertain Significance.

PreventionGenetics, part of Exact Sciences
Classification: Uncertain significance for PKD1L1-related condition. Last evaluated: 2025-08-26. Review status: criteria provided, single submitter. Criteria: ACMG Guidelines, 2015. Collection method: clinical testing. Allele origin: germline.
Comment: The PKD1L1 c.6830A>G variant is predicted to result in the amino acid substitution p.Glu2277Gly. To our knowledge, this variant has not been reported in the literature. This variant is reported in 0.057% of alleles in individuals of European (Non-Finnish) descent in gnomAD. Although we suspect that this variant may be benign, at this time, the clinical significance of this variant is uncertain due to the absence of conclusive functional and genetic evidence.

Ambry Genetics
Classification: Uncertain significance for Inborn genetic diseases. Last evaluated: 2023-02-23. Review status: criteria provided, single submitter. Criteria: Ambry Variant Classification Scheme 2023. Collection method: clinical testing. Allele origin: germline.

NM_138295.5(PKD1L1):c.6830A>G (p.Glu2277Gly)

Gene: PKD1L1 (polycystin 1 like 1, transient receptor potential channel interacting; minus strand). Cytogenetic location: 7p12.3.
Variant type: single nucleotide variant.
Coding change: c.6830A>G on transcript NM_138295.5 (MANE Select); coding-DNA position 6830, A replaced by G.
Protein change: p.Glu2277Gly; replaces glutamic acid 2277 with glycine.
Molecular consequence: missense variant.
Genome position (GRCh38, 1-based): chr7:47,827,374, T>C on the plus strand (A>G on the coding strand, the complement: PKD1L1 is on the minus strand). VCF-style: chr7-47827374-T-C. GRCh37 (hg19) VCF-style: chr7-47866972-T-C.
Other names: short protein forms E2277G.
Identifiers: ClinVar variation 2455582 (VCV002455582.4), dbSNP rs138487621, ClinGen allele CA4252317.